The following is an entry in ClinVar:

NM_001349253.2(SCN11A):c.4420C>T (p.Leu1474=)

Gene: SCN11A (sodium voltage-gated channel alpha subunit 11; minus strand). Cytogenetic location: 3p22.2.
Variant type: single nucleotide variant.
Coding change: c.4420C>T on transcript NM_001349253.2 (MANE Select); coding-DNA position 4420, C replaced by T.
Protein change: p.Leu1474=; no amino-acid change (leucine 1474 retained).
Molecular consequence: synonymous variant.
Genome position (GRCh38, 1-based): chr3:38,847,650, G>A on the plus strand (C>T on the coding strand, the complement: SCN11A is on the minus strand). VCF-style: chr3-38847650-G-A. GRCh37 (hg19) VCF-style: chr3-38889141-G-A.
Other names: c.4420C>T, p.Leu1474= (NM_014139.3).
Identifiers: ClinVar variation 474728 (VCV000474728.17), dbSNP rs138566005, ClinGen allele CA2321516.

ClinVar aggregate classification (germline): Conflicting classifications of pathogenicity. Review status: criteria provided, conflicting classifications (1 of 4 stars). 5 submissions from 5 submitters: Uncertain significance (1); Likely benign (4). Last evaluated 2026-05-13.

Conditions:
Inborn genetic diseases. Identifiers: MedGen C0950123, MeSH D030342.
SCN11A-related disorder. Also called: SCN11A-related condition.
Hereditary sensory and autonomic neuropathy type 7. Also called: Neuropathy, hereditary sensory and autonomic, type VII; HSAN VII. Identifiers: Orphanet 391397, MedGen C3809882, MONDO:0014244, OMIM 615548.
Familial episodic pain syndrome with predominantly lower limb involvement. Also called: Episodic pain syndrome, familial, 3. Identifiers: Orphanet 391384, Orphanet 391392, MedGen C3809899, MONDO:0014247, OMIM 615552.

Allele frequency attached by ClinVar (database versions not stated): gnomAD exomes 0.00011 and 0.00012; ExAC 0.00012; gnomAD 0.00014 and 0.00015; ESP Exome Variant Server 0.00015; TOPMed 0.00017.
gnomAD v4.1: 173 of 1,613,964 alleles (0.011%); highest among the groups gnomAD compares: Middle Eastern, 0.016%; no homozygotes.

Submissions (5):

PreventionGenetics, part of Exact Sciences
Classification: Likely benign for SCN11A-related condition. Last evaluated: 2026-05-13. Review status: criteria provided, single submitter. Criteria: ACMG Guidelines, 2015. Collection method: clinical testing. Allele origin: germline.
Comment: This variant is classified as likely benign based on ACMG/AMP sequence variant interpretation guidelines (Richards et al. 2015 PMID: 25741868, with internal and published modifications).

CeGaT Center for Human Genetics Tuebingen
Classification: Uncertain significance. Last evaluated: 2026-05-01. Review status: criteria provided, single submitter. Criteria: CeGaT Center For Human Genetics Tuebingen Variant Classification Criteria Version 2. Collection method: clinical testing. Allele origin: germline. Affected: yes. Observed: 2 variant alleles.
Comment: SCN11A: PM2:Supporting, BP4

Labcorp Genetics (formerly Invitae), Labcorp
Classification: Likely benign for Familial episodic pain syndrome with predominantly lower limb involvement; Hereditary sensory and autonomic neuropathy type 7. Last evaluated: 2025-10-24. Review status: criteria provided, single submitter. Criteria: Invitae Variant Classification Sherloc (09022015). Collection method: clinical testing. Allele origin: germline.

Blueprint Genetics
Classification: Likely benign. Last evaluated: 2024-11-05. Review status: criteria provided, single submitter. Criteria: ACMG Guidelines, 2015. Collection method: clinical testing. Allele origin: germline.

Ambry Genetics
Classification: Likely benign for Inborn genetic diseases. Last evaluated: 2019-07-11. Review status: criteria provided, single submitter. Criteria: Ambry Variant Classification Scheme 2023. Collection method: clinical testing. Allele origin: germline.